The following is an entry in ClinVar:

NM_004655.4(AXIN2):c.1201-19C>T

Gene: AXIN2 (axin 2; minus strand). Cytogenetic location: 17q24.1.
Variant type: single nucleotide variant.
Coding change: c.1201-19C>T on transcript NM_004655.4 (MANE Select); 19 bases into the intron before coding-DNA position 1201, C replaced by T.
Molecular consequence: intron variant.
Genome position (GRCh38, 1-based): chr17:65,537,854, G>A on the plus strand (C>T on the coding strand, the complement: AXIN2 is on the minus strand). VCF-style: chr17-65537854-G-A. GRCh37 (hg19) VCF-style: chr17-63533972-G-A.
Other names: c.1201-19C>T (LRG_296t1, NM_001363813.1).
Identifiers: ClinVar variation 386303 (VCV000386303.10), dbSNP rs773001468, ClinGen allele CA8718722.

ClinVar aggregate classification (germline): Likely benign. Review status: criteria provided, multiple submitters, no conflicts (2 of 4 stars). 4 submissions from 4 submitters: Likely benign (4). Last evaluated 2025-12-26.

Conditions:
Oligodontia-cancer predisposition syndrome. Also called: TOOTH AGENESIS-COLORECTAL CANCER SYNDROME. Identifiers: Orphanet 300576, MedGen C1837750, MONDO:0012075, OMIM 608615. Disease mechanism: loss of function.

Allele frequency attached by ClinVar (database versions not stated): gnomAD exomes 0.00002; ExAC 0.00003; gnomAD 0.00003; TOPMed 0.00005.
gnomAD v4.1: 21 of 1,530,294 alleles (0.0014%); highest among the groups gnomAD compares: African/African-American, 0.014%; no homozygotes.

Submissions (4):

Labcorp Genetics (formerly Invitae), Labcorp
Classification: Likely benign for Oligodontia-cancer predisposition syndrome. Last evaluated: 2025-12-26. Review status: criteria provided, single submitter. Criteria: Invitae Variant Classification Sherloc (09022015). Collection method: clinical testing. Allele origin: germline.

Center for Genomic Medicine, Rigshospitalet, Copenhagen University Hospital
Classification: Likely benign. Last evaluated: 2025-03-04. Review status: criteria provided, single submitter. Criteria: ACMG Guidelines, 2015. Collection method: clinical testing. Allele origin: germline.

Myriad Genetics, Inc.
Classification: Likely benign for Oligodontia-cancer predisposition syndrome. Last evaluated: 2024-07-01. Review status: criteria provided, single submitter. Criteria: Myriad Autosomal Dominant, Autosomal Recessive and X-Linked Classification Criteria (2023). Collection method: clinical testing. Allele origin: unknown.
Comment: This variant is considered likely benign. This variant is intronic and is not expected to impact mRNA splicing.

GeneDx
Classification: Likely benign. Last evaluated: 2017-06-01. Review status: criteria provided, single submitter. Criteria: GeneDx Variant Classification (06012015). Collection method: clinical testing. Allele origin: germline. Affected: yes.
Comment: This variant is considered likely benign or benign based on one or more of the following criteria: it is a conservative change, it occurs at a poorly conserved position in the protein, it is predicted to be benign by multiple in silico algorithms, and/or has population frequency not consistent with disease.